The following is an entry in ClinVar:

ClinVar aggregate classification (germline): Benign/Likely benign. Review status: criteria provided, multiple submitters, no conflicts (2 of 4 stars). 8 submissions from 8 submitters: Benign (4); Likely benign (3). 1 of the submissions does not count toward it. Last evaluated 2026-01-27.

Conditions:
Collagen 6-related myopathy. Identifiers: MedGen CN117976, MONDO:0100225.
Bethlem myopathy 1A. Also called: MYOPATHY, BENIGN CONGENITAL, WITH CONTRACTURES; Bethlem myopathy 1; Bethlem Muscular Dystrophy. Identifiers: Orphanet 610, MedGen CN029274, MONDO:0024530, OMIM 158810.

Allele frequency attached by ClinVar (database versions not stated): ExAC 0.00259; gnomAD 0.00931 and 0.00998; gnomAD exomes 0.00089 and 0.00228; 1000 Genomes Project 30x 0.00734; TOPMed 0.01057; 1000 Genomes Project 0.00819; ESP Exome Variant Server 0.00823.
gnomAD v4.1: 2,791 of 1,612,902 alleles (0.17%); highest among the groups gnomAD compares: African/African-American, 3.2%; 39 homozygotes.

Submissions (8):

Labcorp Genetics (formerly Invitae), Labcorp
Classification: Benign for Bethlem myopathy 1A. Last evaluated: 2026-01-27. Review status: criteria provided, single submitter. Criteria: Invitae Variant Classification Sherloc (09022015). Collection method: clinical testing. Allele origin: germline.

Illumina Laboratory Services, Illumina
Classification: Benign for Collagen VI-related myopathy. Last evaluated: 2018-01-13. Review status: criteria provided, single submitter. Criteria: ICSL Variant Classification Criteria 13 December 2019. Collection method: clinical testing. Allele origin: germline.
Comment: This variant was observed in the ICSL laboratory as part of a predisposition screen in an ostensibly healthy population. It had not been previously curated by ICSL or reported in the Human Gene Mutation Database (HGMD: prior to June 1st, 2018), and was therefore a candidate for classification through an automated scoring system. Utilizing variant allele frequency, disease prevalence and penetrance estimates, and inheritance mode, an automated score was calculated to assess if this variant is too frequent to cause the disease. Based on the score and internal cut-off values, a variant classified as benign is not then subjected to further curation. The score for this variant resulted in a classification of benign for this disease.

Center for Pediatric Genomic Medicine, Children's Mercy Hospital and Clinics
Classification: Likely benign. Last evaluated: 2017-05-03. Review status: criteria provided, single submitter. Criteria: ACMG Guidelines, 2015. Collection method: clinical testing. Allele origin: germline.

GeneDx
Classification: Benign. Last evaluated: 2016-05-18. Review status: criteria provided, single submitter. Criteria: GeneDx Variant Classification (06012015). Collection method: clinical testing. Allele origin: germline. Affected: yes.
Comment: This variant is considered likely benign or benign based on one or more of the following criteria: it is a conservative change, it occurs at a poorly conserved position in the protein, it is predicted to be benign by multiple in silico algorithms, and/or has population frequency not consistent with disease.

Eurofins Ntd Llc (ga)
Classification: Benign. Last evaluated: 2012-11-16. Review status: criteria provided, single submitter. Criteria: EGL Classification Definitions 2015. Collection method: clinical testing. Allele origin: germline. Observed: 1 variant allele, 1 heterozygote.

Breakthrough Genomics
Classification: Likely benign. Review status: criteria provided, single submitter. Criteria: ACMG Guidelines, 2015. Collection method: not provided. Allele origin: germline. Inheritance: Autosomal recessive inheritance. Affected: yes.

PreventionGenetics, part of Exact Sciences
Classification: Likely benign. Review status: criteria provided, single submitter. Criteria: ACMG Guidelines, 2015. Collection method: clinical testing. Allele origin: germline.

Genetic Services Laboratory, University of Chicago
Classification: Likely benign for AllHighlyPenetrant. Review status: no assertion criteria provided. Collection method: clinical testing. Allele origin: germline. Not counted in ClinVar's aggregate classification.
Comment: Likely benign based on allele frequency in 1000 Genomes Project or ESP global frequency and its presence in a patient with a rare or unrelated disease phenotype. NOT Sanger confirmed.

NM_001849.4(COL6A2):c.832G>A (p.Glu278Lys)

Gene: COL6A2 (collagen type VI alpha 2 chain; plus strand). Cytogenetic location: 21q22.3.
Variant type: single nucleotide variant.
Coding change: c.832G>A on transcript NM_001849.4 (MANE Select); coding-DNA position 832, G replaced by A.
Protein change: p.Glu278Lys; replaces glutamic acid 278 with lysine.
Molecular consequence: missense variant.
Genome position (GRCh38, 1-based): chr21:46,115,902, G>A. VCF-style: chr21-46115902-G-A. GRCh37 (hg19) VCF-style: chr21-47535816-G-A.
Other names: c.832G>A, p.Glu278Lys (NM_058174.3, NM_058175.3); short protein forms E278K.
Identifiers: ClinVar variation 93961 (VCV000093961.25), dbSNP rs61735835, ClinGen allele CA147513.